The following is an entry in ClinVar:

ClinVar aggregate classification (germline): Uncertain significance (1 of 4 stars; one submission).

Allele frequency attached by ClinVar (database versions not stated): TOPMed 0.00001.
gnomAD v4.1: 1 of 1,614,088 alleles (0.000062%); highest among the groups gnomAD compares: African/African-American, 0.0013%; no homozygotes.

Submission:

Labcorp Genetics (formerly Invitae), Labcorp
Classification: Uncertain significance. Last evaluated: 2023-05-22. Review status: criteria provided, single submitter. Criteria: Invitae Variant Classification Sherloc (09022015). Collection method: clinical testing. Allele origin: germline.
Comment: In summary, the available evidence is currently insufficient to determine the role of this variant in disease. Therefore, it has been classified as a Variant of Uncertain Significance. Advanced modeling of protein sequence and biophysical properties (such as structural, functional, and spatial information, amino acid conservation, physicochemical variation, residue mobility, and thermodynamic stability) performed at Invitae indicates that this missense variant is not expected to disrupt SZT2 protein function. ClinVar contains an entry for this variant (Variation ID: 850993). This variant has not been reported in the literature in individuals affected with SZT2-related conditions. This variant is not present in population databases (gnomAD no frequency). This sequence change replaces serine, which is neutral and polar, with cysteine, which is neutral and slightly polar, at codon 1172 of the SZT2 protein (p.Ser1172Cys).

NM_001365999.1(SZT2):c.3685A>T (p.Ser1229Cys)

Gene: SZT2 (SZT2 subunit of KICSTOR complex; plus strand). Cytogenetic location: 1p34.2.
Variant type: single nucleotide variant.
Coding change: c.3685A>T on transcript NM_001365999.1 (MANE Select); coding-DNA position 3685, A replaced by T.
Protein change: p.Ser1229Cys; replaces serine 1229 with cysteine.
Molecular consequence: missense variant.
Genome position (GRCh38, 1-based): chr1:43,427,616, A>T. VCF-style: chr1-43427616-A-T. GRCh37 (hg19) VCF-style: chr1-43893287-A-T.
Other names: c.3514A>T, p.Ser1172Cys (NM_015284.4); short protein forms S1172C, S1229C.
Identifiers: ClinVar variation 850993 (VCV000850993.10), dbSNP rs1403392691, ClinGen allele CA340018830.
Genomic context (GRCh38, chr1:43,427,616, plus strand): 5'-AGTCCACCATTCCGTCGAGACTTACAGGCTTACGCTGGGCGTCAGGCTTCCCAGACAGAG[A>T]GTGCGGATGGGCCCCGGACCCGGTGTCCTGTCTACATCTACAGCTGTTCACTGGAAGCGC-3'
Protein context (NP_001352928.1, residues 1219-1239): YAGRQASQTE[Ser1229Cys]ADGPRTRCPV